The following is an entry in ClinVar:

NM_000112.4(SLC26A2):c.776G>T (p.Gly259Val)

Gene: SLC26A2 (solute carrier family 26 member 2; plus strand). Cytogenetic location: 5q32.
Variant type: single nucleotide variant.
Coding change: c.776G>T on transcript NM_000112.4 (MANE Select); coding-DNA position 776, G replaced by T.
Protein change: p.Gly259Val; replaces glycine 259 with valine.
Molecular consequence: missense variant.
Genome position (GRCh38, 1-based): chr5:149,980,369, G>T. VCF-style: chr5-149980369-G-T. GRCh37 (hg19) VCF-style: chr5-149359932-G-T.
Other names: short protein forms G259V.
Identifiers: ClinVar variation 555871 (VCV000555871.10), dbSNP rs769319202, ClinGen allele CA3505319.
Genomic context (GRCh38, chr5:149,980,369, plus strand): 5'-TTCAAGTGGGTTTTGTTTCTGTCTACCTCTCAGATGCCTTGCTGAGTGGATTTGTCACTG[G>T]TGCCTCCTTCACTATTCTTACATCTCAGGCCAAGTATCTTCTTGGGCTCAACCTTCCTCG-3'
Protein context (NP_000103.2, residues 249-269): SDALLSGFVT[Gly259Val]ASFTILTSQA

ClinVar aggregate classification (germline): Likely pathogenic. Review status: criteria provided, multiple submitters, no conflicts (2 of 4 stars). 5 submissions from 5 submitters: Likely pathogenic (4). 1 of the submissions does not count toward it. Last evaluated 2025-03-25.

Conditions:
Achondrogenesis, type IB (ACG1B). Also called: Achondrogenesis Type 1B. Identifiers: Orphanet 932, Orphanet 93298, MedGen C0265274, MONDO:0010966, OMIM 600972.
Multiple epiphyseal dysplasia type 4 (EDM4). Also called: MULTIPLE EPIPHYSEAL DYSPLASIA WITH BILAYERED PATELLAE; MULTIPLE EPIPHYSEAL DYSPLASIA WITH CLUBFOOT; MULTIPLE EPIPHYSEAL DYSPLASIA, AUTOSOMAL RECESSIVE; SLC26A2-Related Multiple Epiphyseal Dysplasia; Multiple Epiphyseal Dysplasia, Recessive. Identifiers: Orphanet 93307, MedGen C1847593, MONDO:0009189, OMIM 226900.
Atelosteogenesis type II (AO2). Also called: SLC26A2-Related Atelosteogenesis; NEONATAL OSSEOUS DYSPLASIA I; Neonatal osseous dysplasia 1. Identifiers: Orphanet 56304, MedGen C1850554, MONDO:0009727, OMIM 256050.
Diastrophic dysplasia (DTD). Also called: Diastrophic dwarfism. Identifiers: Orphanet 628, MedGen C0220726, MONDO:0009107, OMIM 222600.
Osteochondrodysplasia. Identifiers: MedGen C0029422, MONDO:0005516.

Allele frequency attached by ClinVar (database versions not stated): gnomAD exomes below 0.00001 and 0.00002; ExAC 0.00001; gnomAD 0.00001; TOPMed 0.00001.
gnomAD v4.1: 27 of 1,613,896 alleles (0.0017%); highest among the groups gnomAD compares: Non-Finnish European, 0.0022%; no homozygotes.

Submissions (5):

Labcorp Genetics (formerly Invitae), Labcorp
Classification: Likely pathogenic for Atelosteogenesis type II; Multiple epiphyseal dysplasia type 4; Achondrogenesis, type IB; Diastrophic dysplasia. Last evaluated: 2025-03-25. Review status: criteria provided, single submitter. Criteria: Invitae Variant Classification Sherloc (09022015). Collection method: clinical testing. Allele origin: germline.
Comment: This sequence change replaces glycine, which is neutral and non-polar, with valine, which is neutral and non-polar, at codon 259 of the SLC26A2 protein (p.Gly259Val). This variant is present in population databases (rs769319202, gnomAD 0.0009%). This missense change has been observed in individual(s) with diastrophic dysplasia (PMID: 11727031, 15720248). In at least one individual the data is consistent with being in trans (on the opposite chromosome) from a pathogenic variant. This variant is also known as c.803G>T. ClinVar contains an entry for this variant (Variation ID: 555871). Invitae Evidence Modeling of protein sequence and biophysical properties (such as structural, functional, and spatial information, amino acid conservation, physicochemical variation, residue mobility, and thermodynamic stability) indicates that this missense variant is expected to disrupt SLC26A2 protein function with a positive predictive value of 80%. In summary, the currently available evidence indicates that the variant is pathogenic, but additional data are needed to prove that conclusively. Therefore, this variant has been classified as Likely Pathogenic.

Women's Health and Genetics/Laboratory Corporation of America, LabCorp
Classification: Likely pathogenic for Osteochondrodysplasia. Last evaluated: 2025-01-14. Review status: criteria provided, single submitter. Criteria: LabCorp Variant Classification Summary - May 2015. Collection method: clinical testing. Allele origin: germline.
Comment: Variant summary: SLC26A2 c.776G>T (p.Gly259Val) results in a non-conservative amino acid change located in the SLC26A/SulP transporter domain (IPR011547) of the encoded protein sequence. Five of five in-silico tools predict a damaging effect of the variant on protein function. The variant allele was found at a frequency of 4e-06 in 251360 control chromosomes. c.776G>T has been reported in the literature in compound heterozygous individuals affected with Sulfate Transporter-Related Osteochondrodysplasia (Rossi_2001, Unger_2001). These data indicate that the variant is likely to be associated with disease. To our knowledge, no experimental evidence demonstrating an impact on protein function has been reported. The following publications have been ascertained in the context of this evaluation (PMID: 11241838, 11727031). ClinVar contains an entry for this variant (Variation ID: 555871). Based on the evidence outlined above, the variant was classified as likely pathogenic.

Fulgent Genetics
Classification: Likely pathogenic for Diastrophic dysplasia; Multiple epiphyseal dysplasia type 4; Atelosteogenesis type II; Achondrogenesis, type IB. Last evaluated: 2024-03-04. Review status: criteria provided, single submitter. Criteria: ACMG Guidelines, 2015. Collection method: clinical testing. Allele origin: germline.

GeneDx
Classification: Likely pathogenic. Last evaluated: 2023-01-06. Review status: criteria provided, single submitter. Criteria: GeneDx Variant Classification Process June 2021. Collection method: clinical testing. Allele origin: germline. Affected: yes.
Comment: Not observed at significant frequency in large population cohorts (gnomAD); In silico analysis supports that this missense variant has a deleterious effect on protein structure/function; This variant is associated with the following publications: (PMID: 11241838, 11727031)

Counsyl
Classification: Uncertain significance for Multiple epiphyseal dysplasia type 4. Last evaluated: 2018-01-08. Review status: no assertion criteria provided. Collection method: clinical testing. Allele origin: unknown. Not counted in ClinVar's aggregate classification.

Literature cited by the submitters: PubMed 11727031 (cited by 3 submitters); PubMed 15720248 (cited by Labcorp Genetics (formerly Invitae), Labcorp); PubMed 11241838 (cited by Women's Health and Genetics/Laboratory Corporation of America, LabCorp and Counsyl).